The following is an entry in ClinVar:

ClinVar aggregate classification (germline): Uncertain significance (1 of 4 stars; one submission).

gnomAD v4.1: 1 of 1,614,148 alleles (0.000062%); highest among the groups gnomAD compares: Non-Finnish European, 0.000085%; no homozygotes.

Submission:

GeneDx
Classification: Uncertain significance. Last evaluated: 2024-02-01. Review status: criteria provided, single submitter. Criteria: GeneDx Variant Classification Process June 2021. Collection method: clinical testing. Allele origin: germline. Affected: yes.
Comment: Not observed at significant frequency in large population cohorts (gnomAD); In silico analysis supports that this missense variant does not alter protein structure/function; Has not been previously published as pathogenic or benign to our knowledge

NM_015559.3(SETBP1):c.2878C>G (p.Leu960Val)

Gene: SETBP1 (SET binding protein 1; plus strand). Cytogenetic location: 18q12.3.
Variant type: single nucleotide variant.
Coding change: c.2878C>G on transcript NM_015559.3 (MANE Select); coding-DNA position 2878, C replaced by G.
Protein change: p.Leu960Val; replaces leucine 960 with valine.
Molecular consequence: missense variant.
Genome position (GRCh38, 1-based): chr18:44,952,218, C>G. VCF-style: chr18-44952218-C-G. GRCh37 (hg19) VCF-style: chr18-42532183-C-G.
Other names: c.2878C>G, p.Leu960Val (NM_001379141.1, NM_001379142.1, NM_001410862.1); short protein forms L960V.
Identifiers: ClinVar variation 3367731 (VCV003367731.1).